The following is an entry in ClinVar:

ClinVar aggregate classification (germline): Pathogenic (1 of 4 stars; one submission).

Conditions:
Holoprosencephaly 9 (HPE9). Also called: HOLOPROSENCEPHALY WITH MICROPHTHALMIA AND FIRST BRANCHIAL ARCH ANOMALIES; PITUITARY ANOMALIES WITH HOLOPROSENCEPHALY-LIKE FEATURES. Identifiers: Orphanet 2162, MedGen C1835819, MONDO:0012563, OMIM 610829.

Submission:

Institute of Human Genetics, University of Goettingen
Classification: Pathogenic for Holoprosencephaly 9. Last evaluated: 2025-02-28. Review status: criteria provided, single submitter. Criteria: ACMG Guidelines, 2015. Collection method: clinical testing. Allele origin: de novo. Inheritance: Sporadic. Affected: yes. Observed: 1 heterozygote.
Comment: The variant c.1725C>G (p.(Tyr575*)) in exon 12 of the GLI2 gene is not found in the gnomAD database and the variation generates a 'Nonsense' as coding effect. The reading frame is interrupted by a premature STOP codon. Truncating variants in GLI2 are a known mechanism of disease. It was found to be de novo in a prenatal setting with confirmed parentage: PVS1, PS2_SUP, PM2_SUP.

NM_001374353.1(GLI2):c.1674C>G (p.Tyr558Ter)

Gene: GLI2 (GLI family zinc finger 2; plus strand). Cytogenetic location: 2q14.2.
Variant type: single nucleotide variant.
Coding change: c.1674C>G on transcript NM_001374353.1 (MANE Select); coding-DNA position 1674, C replaced by G.
Protein change: p.Tyr558Ter; replaces tyrosine 558 with a stop codon.
Molecular consequence: nonsense.
Genome position (GRCh38, 1-based): chr2:120,984,512, C>G. VCF-style: chr2-120984512-C-G. GRCh37 (hg19) VCF-style: chr2-121742088-C-G.
Other names: c.1725C>G, p.Tyr575Ter (NM_001371271.1, NM_005270.5); c.1299C>G, p.Tyr433Ter (NM_001374354.1); short protein forms Y433*, Y558*, Y575*.
Identifiers: ClinVar variation 3767873 (VCV003767873.2).